The following is an entry in ClinVar:

ClinVar aggregate classification (germline): Uncertain significance (1 of 4 stars; one submission).

Conditions:
Hereditary pancreatitis (PCTT). Also called: PRSS1-Related Hereditary Pancreatitis; Hereditary chronic pancreatitis. Identifiers: Orphanet 676, MedGen C0238339, MONDO:0008185, OMIM 167800.

Submission:

Labcorp Genetics (formerly Invitae), Labcorp
Classification: Uncertain significance for Hereditary pancreatitis. Last evaluated: 2022-05-28. Review status: criteria provided, single submitter. Criteria: Invitae Variant Classification Sherloc (09022015). Collection method: clinical testing. Allele origin: germline.
Comment: In summary, the available evidence is currently insufficient to determine the role of this variant in disease. Therefore, it has been classified as a Variant of Uncertain Significance. This variant has not been reported in the literature in individuals affected with CTRC-related conditions. This variant is not present in population databases (gnomAD no frequency). This sequence change creates a premature translational stop signal (p.His110Thrfs*24) in the CTRC gene. It is expected to result in an absent or disrupted protein product. However, the current clinical and genetic evidence is not sufficient to establish whether loss-of-function variants in CTRC cause disease.

NM_007272.3(CTRC):c.328del (p.His110fs)

Gene: CTRC (chymotrypsin C; plus strand). Cytogenetic location: 1p36.21.
Variant type: Deletion.
Coding change: c.328del on transcript NM_007272.3 (MANE Select); coding-DNA position 328, one base deleted (C; older notation c.328delC).
Protein change: p.His110fs; shifts the reading frame from histidine 110.
Molecular consequence: frameshift variant.
Genome position (GRCh38, 1-based): chr1:15,442,544, C deleted; the last of 2 consecutive C bases (chr1:15,442,543-15,442,544); deleting either gives the same sequence. VCF-style (leftmost placement, unchanged base first): chr1-15442542-TC-T. GRCh37 (hg19) VCF-style: chr1-15769038-TC-T.
Other names: short protein forms H110fs.
Identifiers: ClinVar variation 2156129 (VCV002156129.4), dbSNP rs2526294698, ClinGen allele CA2574225752.